The following is an entry in ClinVar:

ClinVar aggregate classification (germline): Pathogenic. Review status: criteria provided, multiple submitters, no conflicts (2 of 4 stars). 2 submissions from 2 submitters: Pathogenic (2). Last evaluated 2023-02-09.

Conditions:
Breast-ovarian cancer, familial, susceptibility to, 1 (BROVCA1). Also called: BRCA1 Hereditary Breast and Ovarian Cancer; OVARIAN CANCER, SUSCEPTIBILITY TO. Identifiers: Orphanet 145, MedGen C2676676, MONDO:0011450, OMIM 604370. Disease mechanism: loss of function.

Submissions (2):

Myriad Genetics, Inc.
Classification: Pathogenic for Breast-ovarian cancer, familial, susceptibility to, 1. Last evaluated: 2023-02-09. Review status: criteria provided, single submitter. Criteria: Myriad Autosomal Dominant, Autosomal Recessive and X-Linked Classification Criteria (2023). Collection method: clinical testing. Allele origin: unknown.
Comment: This variant is considered pathogenic. Functional studies indicate this variant impacts protein function [PMID: 22505045]. This variant is strongly associated with more severe personal and family histories of cancer, typical for individuals with pathogenic variants in this gene [PMID: 25085752].

Quest Diagnostics Nichols Institute San Juan Capistrano
Classification: Pathogenic. Last evaluated: 2020-02-04. Review status: criteria provided, single submitter. Criteria: Quest Diagnostics criteria. Collection method: clinical testing. Allele origin: unknown.
Comment: The variant disrupts a canonical splice site, and is therefore predicted to result in the loss of a functional protein. Found in at least one patient with expected phenotype for this gene, and found in general population data at a frequency that is consistent with pathogenicity.

Literature cited by the submitters: PubMed 22505045 (cited by Myriad Genetics, Inc.); PubMed 25085752 (cited by Myriad Genetics, Inc.).

NM_007294.4(BRCA1):c.4484+2T>G

Gene: BRCA1 (BRCA1 DNA repair associated; minus strand). Cytogenetic location: 17q21.31.
Variant type: single nucleotide variant.
Coding change: c.4484+2T>G on transcript NM_007294.4 (MANE Select); the canonical splice donor site of the intron after coding-DNA position 4484, T replaced by G.
Molecular consequence: splice donor variant. On other transcripts: intron variant (3).
Genome position (GRCh38, 1-based): chr17:43,076,486, A>C on the plus strand (T>G on the coding strand, the complement: BRCA1 is on the minus strand). VCF-style: chr17-43076486-A-C. GRCh37 (hg19) VCF-style: chr17-41228503-A-C.
Other names: c.4148+2T>G (NM_001407950.1, NM_001407955.1, NM_001407951.1 and 3 more transcripts); c.4151+2T>G (NM_001407948.1, NM_001407946.1, NM_001407949.1 and 1 more transcripts); c.962+2T>G (NM_001408484.1, NM_001408490.1, NM_001408489.1 and 5 more transcripts); c.965+2T>G (NM_001408478.1, NM_001408479.1, NM_001408480.1); c.4271+2T>G (NM_001407907.1, NM_001407899.1, NM_001407895.1 and 12 more transcripts); c.4274+2T>G (NM_001407879.1, NM_001407884.1, NM_001407887.1 and 5 more transcripts); c.4478+2T>G (NM_001407627.1, NM_001407861.1, NM_001407635.1 and 14 more transcripts); c.4481+2T>G (NM_001407614.1, NM_001407626.1, NM_001407622.1 and 17 more transcripts); and 71 more.
Identifiers: ClinVar variation 993049 (VCV000993049.3), dbSNP rs1555582520, ClinGen allele CA10592562.